The following is an entry in ClinVar:

ClinVar aggregate classification (germline): Conflicting classifications of pathogenicity. Review status: criteria provided, conflicting classifications (1 of 4 stars). 2 submissions from 2 submitters: Uncertain significance (1); Likely benign (1). Last evaluated 2026-06-09.

Conditions:
Fanconi anemia complementation group J. Also called: BRIP1-Related Fanconi Anemia. Identifiers: Orphanet 84, MedGen C1836860, MONDO:0012187, OMIM 609054.
Familial cancer of breast. Also called: hereditary breast carcinoma; BREAST CANCER, FAMILIAL; Hereditary breast cancer. Identifiers: Orphanet 227535, MedGen C0346153, MONDO:0016419, OMIM 114480. Disease mechanism: loss of function.
Hereditary cancer-predisposing syndrome. Also called: Hereditary neoplastic syndrome; Neoplastic Syndromes, Hereditary; Tumor predisposition; Hereditary Cancer Syndrome. Identifiers: Orphanet 140162, MedGen C0027672, MeSH D009386, MONDO:0015356.

Submissions (2):

Ambry Genetics
Classification: Likely benign for Hereditary cancer-predisposing syndrome. Last evaluated: 2026-06-09. Review status: criteria provided, single submitter. Criteria: Ambry Variant Classification Scheme 2023. Collection method: clinical testing. Allele origin: germline.

Labcorp Genetics (formerly Invitae), Labcorp
Classification: Uncertain significance for Familial cancer of breast; Fanconi anemia complementation group J. Last evaluated: 2023-10-22. Review status: criteria provided, single submitter. Criteria: Invitae Variant Classification Sherloc (09022015). Collection method: clinical testing. Allele origin: germline.
Comment: This sequence change replaces asparagine, which is neutral and polar, with serine, which is neutral and polar, at codon 1006 of the BRIP1 protein (p.Asn1006Ser). This variant is not present in population databases (gnomAD no frequency). This variant has not been reported in the literature in individuals affected with BRIP1-related conditions. An algorithm developed to predict the effect of missense changes on protein structure and function (PolyPhen-2) suggests that this variant is likely to be tolerated. In summary, the available evidence is currently insufficient to determine the role of this variant in disease. Therefore, it has been classified as a Variant of Uncertain Significance.

NM_032043.3(BRIP1):c.3017A>G (p.Asn1006Ser)

Gene: BRIP1 (BRCA1 interacting DNA helicase 1; minus strand). Cytogenetic location: 17q23.2.
Variant type: single nucleotide variant.
Coding change: c.3017A>G on transcript NM_032043.3 (MANE Select); coding-DNA position 3017, A replaced by G.
Protein change: p.Asn1006Ser; replaces asparagine 1006 with serine.
Molecular consequence: missense variant.
Genome position (GRCh38, 1-based): chr17:61,684,029, T>C on the plus strand (A>G on the coding strand, the complement: BRIP1 is on the minus strand). VCF-style: chr17-61684029-T-C. GRCh37 (hg19) VCF-style: chr17-59761390-T-C.
Other names: short protein forms N1006S.
Identifiers: ClinVar variation 2933792 (VCV002933792.4), dbSNP rs2144091165, ClinGen allele CA400479983.